The following is an entry in ClinVar:

ClinVar aggregate classification (germline): Uncertain significance (1 of 4 stars; one submission).

Submission:

GeneDx
Classification: Uncertain significance. Last evaluated: 2023-07-20. Review status: criteria provided, single submitter. Criteria: GeneDx Variant Classification Process June 2021. Collection method: clinical testing. Allele origin: germline. Affected: yes.
Comment: Not observed at significant frequency in large population cohorts (gnomAD); In silico analysis supports that this missense variant does not alter protein structure/function; Has not been previously published as pathogenic or benign to our knowledge

NM_001130438.3(SPTAN1):c.5518A>G (p.Thr1840Ala)

Gene: SPTAN1 (spectrin alpha, non-erythrocytic 1; plus strand). Cytogenetic location: 9q34.11.
Variant type: single nucleotide variant.
Coding change: c.5518A>G on transcript NM_001130438.3 (MANE Select); coding-DNA position 5518, A replaced by G.
Protein change: p.Thr1840Ala; replaces threonine 1840 with alanine.
Molecular consequence: missense variant.
Genome position (GRCh38, 1-based): chr9:128,618,026, A>G. VCF-style: chr9-128618026-A-G. GRCh37 (hg19) VCF-style: chr9-131380305-A-G.
Other names: c.5443A>G, p.Thr1815Ala (NM_001195532.2); c.5518A>G, p.Thr1840Ala (NM_001363759.2, NM_001375310.1, NM_001375311.2 and 1 more transcripts); c.5458A>G, p.Thr1820Ala (NM_001363765.2, NM_001375314.2); c.5554A>G, p.Thr1852Ala (NM_001375312.2, NM_001375318.1); c.5503A>G, p.Thr1835Ala (NM_003127.4); short protein forms T1815A, T1820A, T1835A, T1840A, T1852A.
Identifiers: ClinVar variation 3361009 (VCV003361009.1).